The following is an entry in ClinVar:

NM_004168.4(SDHA):c.1578C>T (p.Phe526=)

Gene: SDHA (succinate dehydrogenase complex flavoprotein subunit A; plus strand). Cytogenetic location: 5p15.33.
Variant type: single nucleotide variant.
Coding change: c.1578C>T on transcript NM_004168.4 (MANE Select); coding-DNA position 1578, C replaced by T.
Protein change: p.Phe526=; no amino-acid change (phenylalanine 526 retained).
Molecular consequence: synonymous variant. On other transcripts: intron variant (1).
Genome position (GRCh38, 1-based): chr5:251,018, C>T. VCF-style: chr5-251018-C-T. GRCh37 (hg19) VCF-style: chr5-251133-C-T.
Other names: c.1578C>T (NM_004168.2); c.1434C>T, p.Phe478= (NM_001294332.2); c.1552-3375C>T (NM_001330758.2).
Identifiers: ClinVar variation 1083374 (VCV001083374.11), dbSNP rs2126632042, ClinGen allele CA442657266.

ClinVar aggregate classification (germline): Benign/Likely benign. Review status: criteria provided, multiple submitters, no conflicts (2 of 4 stars). 3 submissions from 3 submitters: Benign (1); Likely benign (2). Last evaluated 2025-11-05.

Conditions:
Hereditary cancer-predisposing syndrome. Also called: Tumor predisposition; Neoplastic Syndromes, Hereditary; Hereditary Cancer Syndrome; Hereditary neoplastic syndrome. Identifiers: Orphanet 140162, MedGen C0027672, MeSH D009386, MONDO:0015356.
Pheochromocytoma/paraganglioma syndrome 5. Also called: Paragangliomas 5; SDHA-Related Hereditary Paraganglioma-Pheochromocytoma Syndrome. Identifiers: Orphanet 29072, MedGen C3279992, MONDO:0013602, OMIM 614165.
Mitochondrial complex II deficiency, nuclear type 1. Also called: SUCCINATE CoQ REDUCTASE DEFICIENCY. Identifiers: Orphanet 3208, MedGen C5700310, MONDO:0100294, OMIM 252011.

Submissions (3):

Ambry Genetics
Classification: Likely benign for Hereditary cancer-predisposing syndrome. Last evaluated: 2025-11-05. Review status: criteria provided, single submitter. Criteria: Ambry Variant Classification Scheme 2023. Collection method: clinical testing. Allele origin: germline.

Myriad Genetics, Inc.
Classification: Benign for Pheochromocytoma/paraganglioma syndrome 5. Last evaluated: 2025-03-10. Review status: criteria provided, single submitter. Criteria: Myriad Autosomal Dominant, Autosomal Recessive and X-Linked Classification Criteria (2023). Collection method: clinical testing. Allele origin: unknown.
Comment: This variant is considered benign. This variant is a silent/synonymous amino acid change and it is not expected to impact splicing.

Labcorp Genetics (formerly Invitae), Labcorp
Classification: Likely benign for Pheochromocytoma/paraganglioma syndrome 5; Mitochondrial complex II deficiency, nuclear type 1. Last evaluated: 2023-10-09. Review status: criteria provided, single submitter. Criteria: Invitae Variant Classification Sherloc (09022015). Collection method: clinical testing. Allele origin: germline.